The following is an entry in ClinVar:

ClinVar aggregate classification (germline): Uncertain significance (1 of 4 stars; one submission).

Conditions:
Adenylosuccinate lyase deficiency (ADSLD). Also called: ADSL DEFICIENCY. Identifiers: Orphanet 46, MedGen C0268126, MONDO:0007068, OMIM 103050.

Submission:

Labcorp Genetics (formerly Invitae), Labcorp
Classification: Uncertain significance for Adenylosuccinate lyase deficiency. Last evaluated: 2022-10-05. Review status: criteria provided, single submitter. Criteria: Invitae Variant Classification Sherloc (09022015). Collection method: clinical testing. Allele origin: germline.
Comment: Advanced modeling of protein sequence and biophysical properties (such as structural, functional, and spatial information, amino acid conservation, physicochemical variation, residue mobility, and thermodynamic stability) performed at Invitae indicates that this missense variant is not expected to disrupt ADSL protein function. In summary, the available evidence is currently insufficient to determine the role of this variant in disease. Therefore, it has been classified as a Variant of Uncertain Significance. This variant has not been reported in the literature in individuals affected with ADSL-related conditions. This variant is not present in population databases (gnomAD no frequency). This sequence change replaces glutamic acid, which is acidic and polar, with lysine, which is basic and polar, at codon 48 of the ADSL protein (p.Glu48Lys).

NM_000026.4(ADSL):c.142G>A (p.Glu48Lys)

Gene: ADSL (adenylosuccinate lyase; plus strand). Cytogenetic location: 22q13.1.
Variant type: single nucleotide variant.
Coding change: c.142G>A on transcript NM_000026.4 (MANE Select); coding-DNA position 142, G replaced by A.
Protein change: p.Glu48Lys; replaces glutamic acid 48 with lysine.
Molecular consequence: missense variant. On other transcripts: non-coding transcript variant (1), intron variant (1).
Genome position (GRCh38, 1-based): chr22:40,346,700, G>A. VCF-style: chr22-40346700-G-A. GRCh37 (hg19) VCF-style: chr22-40742704-G-A.
Other names: c.142G>A, p.Glu48Lys (NM_001123378.3, NM_001363840.3, NM_001410812.1 and 2 more transcripts); c.-40+44G>A (NM_001317923.2); short protein forms E48K.
Identifiers: ClinVar variation 2008089 (VCV002008089.4), dbSNP rs2518078406, ClinGen allele CA411632884.